The following is an entry in ClinVar:

NM_000071.3(CBS):c.*10C>A

Gene: CBS (cystathionine beta-synthase; minus strand). Cytogenetic location: 21q22.3.
Variant type: single nucleotide variant.
Coding change: c.*10C>A on transcript NM_000071.3 (MANE Select); 10 bases downstream of the stop codon, C replaced by A.
Molecular consequence: 3 prime UTR variant.
Genome position (GRCh38, 1-based): chr21:43,053,870, G>T on the plus strand (C>A on the coding strand, the complement: CBS is on the minus strand). VCF-style: chr21-43053870-G-T. GRCh37 (hg19) VCF-style: chr21-44473980-G-T.
Other names: c.*10C>A (NM_001178008.3, NM_001178009.3, NM_001320298.2 and 1 more transcripts).
Identifiers: ClinVar variation 194692 (VCV000194692.22), dbSNP rs9978104, ClinGen allele CA302774.

ClinVar aggregate classification (germline): Benign. Review status: criteria provided, multiple submitters, no conflicts (2 of 4 stars). 11 submissions from 11 submitters: Benign (8). 3 of the submissions do not count toward it. Last evaluated 2025-04-09.

Conditions:
Classic homocystinuria. Also called: HOMOCYSTINURIA WITH OR WITHOUT RESPONSE TO PYRIDOXINE; Homocystinuria due to Cystathionine Beta-Synthase Deficiency; Homocystinuria due to CBS deficiency; Cystathionine beta-synthase deficiency; CBS deficiency. Identifiers: Orphanet 394, MedGen C0751202, MONDO:0009352, OMIM 236200.

Allele frequency attached by ClinVar (database versions not stated): 1000 Genomes Project 0.12540; ESP Exome Variant Server 0.15908.

Submissions (11):

Molecular Diagnostic Laboratory for Inherited Cardiovascular Disease, Montreal Heart Institute
Classification: Benign. Last evaluated: 2025-04-09. Review status: criteria provided, single submitter. Criteria: ACMG Guidelines, 2015. Collection method: clinical testing. Allele origin: germline. Affected: no.

Blueprint Genetics
Classification: Benign. Last evaluated: 2024-11-28. Review status: criteria provided, single submitter. Criteria: ACMG Guidelines, 2015. Collection method: clinical testing. Allele origin: germline.

Illumina Laboratory Services, Illumina
Classification: Benign for Classic homocystinuria. Last evaluated: 2018-01-13. Review status: criteria provided, single submitter. Criteria: ICSL Variant Classification Criteria 13 December 2019. Collection method: clinical testing. Allele origin: germline.
Comment: This variant was observed in the ICSL laboratory as part of a predisposition screen in an ostensibly healthy population. It had not been previously curated by ICSL or reported in the Human Gene Mutation Database (HGMD: prior to June 1st, 2018), and was therefore a candidate for classification through an automated scoring system. Utilizing variant allele frequency, disease prevalence and penetrance estimates, and inheritance mode, an automated score was calculated to assess if this variant is too frequent to cause the disease. Based on the score and internal cut-off values, a variant classified as benign is not then subjected to further curation. The score for this variant resulted in a classification of benign for this disease.

Eurofins Ntd Llc (ga)
Classification: Benign. Last evaluated: 2014-11-20. Review status: criteria provided, single submitter. Criteria: EGL Classification Definitions 2015. Collection method: clinical testing. Allele origin: germline. Observed: 8 variant alleles, 8 heterozygotes.

Mayo Clinic Laboratories, Mayo Clinic
Classification: Benign. Last evaluated: 2014-02-13. Review status: criteria provided, single submitter. Criteria: ACMG Guidelines, 2015. Collection method: clinical testing. Allele origin: germline. Observed: 316 variant alleles.

Laboratory for Molecular Medicine, Mass General Brigham Personalized Medicine
Classification: Benign. Last evaluated: 2013-04-04. Review status: criteria provided, single submitter. Criteria: LMM Criteria. Collection method: clinical testing. Allele origin: germline. Observed: 5 variant alleles.
Comment: *10C>A in exon 17B of CBS: This variant is not expected to have clinical signifi cance because it has been identified in 29.2% (1287/4406) of African American ch romosomes from a broad population by the NHLBI Exome Sequencing Project (dbSNP rs9978104).

GeneDx
Classification: Benign. Last evaluated: 2013-01-17. Review status: criteria provided, single submitter. Criteria: GeneDx Variant Classification (06012015). Collection method: clinical testing. Allele origin: germline. Affected: yes.
Comment: This variant is considered likely benign or benign based on one or more of the following criteria: it is a conservative change, it occurs at a poorly conserved position in the protein, it is predicted to be benign by multiple in silico algorithms, and/or has population frequency not consistent with disease.

Breakthrough Genomics
Classification: Benign. Review status: criteria provided, single submitter. Criteria: ACMG Guidelines, 2015. Collection method: not provided. Allele origin: germline. Inheritance: Autosomal recessive inheritance. Affected: yes.

Natera, Inc.
Classification: Benign for Homocystinuria due to cystathionine beta-synthase deficiency. Last evaluated: 2020-09-16. Review status: no assertion criteria provided. Collection method: clinical testing. Allele origin: germline. Not counted in ClinVar's aggregate classification.

Clinical Genetics, Academic Medical Center
Classification: Benign. Review status: no assertion criteria provided. Collection method: clinical testing. Allele origin: germline. Affected: yes. Study: VKGL Data-share Consensus. Not counted in ClinVar's aggregate classification.

Joint Genome Diagnostic Labs from Nijmegen and Maastricht, Radboudumc and MUMC+
Classification: Benign. Review status: no assertion criteria provided. Collection method: clinical testing. Allele origin: germline. Affected: yes. Study: VKGL Data-share Consensus. Not counted in ClinVar's aggregate classification.